The following is an entry in ClinVar:

ClinVar aggregate classification (germline): Uncertain significance (1 of 4 stars; one submission).

Conditions:
Hereditary cancer-predisposing syndrome. Also called: Tumor predisposition; Neoplastic Syndromes, Hereditary; Hereditary neoplastic syndrome; Hereditary Cancer Syndrome. Identifiers: Orphanet 140162, MedGen C0027672, MeSH D009386, MONDO:0015356.

Submission:

Ambry Genetics
Classification: Uncertain significance for Hereditary cancer-predisposing syndrome. Last evaluated: 2025-08-27. Review status: criteria provided, single submitter. Criteria: Ambry Variant Classification Scheme 2023. Collection method: clinical testing. Allele origin: germline.
Comment: The p.C51R variant (also known as c.151T>C), located in coding exon 2 of the MUTYH gene, results from a T to C substitution at nucleotide position 151. The cysteine at codon 51 is replaced by arginine, an amino acid with highly dissimilar properties. This amino acid position is conserved. In addition, this alteration is predicted to be tolerated by in silico analysis. Based on the available evidence, the clinical significance of this variant remains unclear.

NM_001048174.2(MUTYH):c.109T>C (p.Cys37Arg)

Gene: MUTYH (mutY DNA glycosylase; minus strand). Cytogenetic location: 1p34.1.
Variant type: single nucleotide variant.
Coding change: c.109T>C on transcript NM_001048174.2 (MANE Select); coding-DNA position 109, T replaced by C.
Protein change: p.Cys37Arg; replaces cysteine 37 with arginine.
Molecular consequence: missense variant. On other transcripts: 5 prime UTR variant (7), non-coding transcript variant (7).
Genome position (GRCh38, 1-based): chr1:45,334,397, A>G on the plus strand (T>C on the coding strand, the complement: MUTYH is on the minus strand). VCF-style: chr1-45334397-A-G. GRCh37 (hg19) VCF-style: chr1-45800069-A-G.
Other names: c.109T>C, p.Cys37Arg (NM_001293191.2, NM_001407077.1, NM_001407078.1 and 15 more transcripts); c.-99T>C (NM_001407082.1, NM_001350651.2); c.151T>C, p.Cys51Arg (NM_001128425.2, NM_001293190.2, NM_012222.3 and 2 more transcripts); c.127T>C, p.Cys43Arg (NM_001407087.1); c.-104T>C (NM_001407091.1, NM_001293192.2, NM_001293196.2); c.-163T>C (NM_001350650.2); c.-48T>C (NM_001407075.1); short protein forms C37R, C51R, C43R.
Identifiers: ClinVar variation 4113317 (VCV004113317.1).